The following is an entry in ClinVar:

NM_003628.6(PKP4):c.2375A>C (p.Lys792Thr)

Genes: PKP4 (plakophilin 4; plus strand), PKP4-AS1 (PKP4 antisense RNA 1; minus strand). Cytogenetic location: 2q24.1.
Variant type: single nucleotide variant.
Coding change: c.2375A>C on transcript NM_003628.6 (MANE Select); coding-DNA position 2375, A replaced by C.
Protein change: p.Lys792Thr; replaces lysine 792 with threonine.
Molecular consequence: missense variant.
Genome position (GRCh38, 1-based): chr2:158,663,060, A>C. VCF-style: chr2-158663060-A-C. GRCh37 (hg19) VCF-style: chr2-159519572-A-C.
Other names: c.2375A>C, p.Lys792Thr (NM_001005476.4, NM_001304971.2, NM_001377218.1 and 1 more transcripts); c.2372A>C, p.Lys791Thr (NM_001304969.3, NM_001377219.1, NM_001377220.1 and 2 more transcripts); c.1346A>C, p.Lys449Thr (NM_001304970.3); c.2369A>C, p.Lys790Thr (NM_001377222.1, NM_001377223.1); c.2366A>C, p.Lys789Thr (NM_001377224.1); short protein forms K790T, K789T, K792T, K449T, K791T.
Identifiers: ClinVar variation 3214029 (VCV003214029.2), dbSNP rs2056754244, ClinGen allele CA348902927.

ClinVar aggregate classification (germline): Uncertain significance (1 of 4 stars; one submission).

Allele frequency attached by ClinVar (database versions not stated): TOPMed 0.00001.

Submission:

Ambry Genetics
Classification: Uncertain significance. Last evaluated: 2025-07-13. Review status: criteria provided, single submitter. Criteria: Ambry Variant Classification Scheme 2023. Collection method: clinical testing. Allele origin: germline.
Comment: The p.K792T variant (also known as c.2375A>C), located in coding exon 13 of the PKP4 gene, results from an A to C substitution at nucleotide position 2375. The lysine at codon 792 is replaced by threonine, an amino acid with similar properties. This amino acid position is conserved. In addition, the in silico prediction for this alteration is inconclusive. Based on the available evidence, the clinical significance of this variant remains unclear.